The following is an entry in ClinVar:

NM_000545.8(HNF1A):c.638T>C (p.Ile213Thr)

Gene: HNF1A (HNF1 homeobox A; plus strand). Cytogenetic location: 12q24.31.
Variant type: single nucleotide variant.
Coding change: c.638T>C on transcript NM_000545.8 (MANE Select); coding-DNA position 638, T replaced by C.
Protein change: p.Ile213Thr; replaces isoleucine 213 with threonine.
Molecular consequence: missense variant.
Genome position (GRCh38, 1-based): chr12:120,993,631, T>C. VCF-style: chr12-120993631-T-C. GRCh37 (hg19) VCF-style: chr12-121431434-T-C.
Other names: NM_001306179.2:c.638T>C; c.638T>C, p.Ile213Thr (NM_001306179.2, NM_001406915.1); short protein forms I213T.
Identifiers: ClinVar variation 3238979 (VCV003238979.1), dbSNP rs2135839463.

ClinVar aggregate classification (germline): Uncertain significance (3 of 4 stars; one submission).

Conditions:
Monogenic diabetes. Identifiers: Orphanet 183625, MedGen C3888631, MONDO:0015967.

Submission:

ClinGen Monogenic Diabetes Variant Curation Expert Panel
Classification: Uncertain significance for Monogenic diabetes. Last evaluated: 2024-06-09. Review status: reviewed by expert panel. Criteria: ClinGen Diabetes ACMG Specifications HNF1A V2.1.0. Collection method: curation. Allele origin: germline. Inheritance: Autosomal dominant inheritance.
Comment: The c.638T>C variant in the HNF1 homeobox A gene, HNF1A, causes an amino acid change of isoleucine to threonine at codon 213 (p.(Ile213Thr)) of NM_000545.8. This variant is predicted to be deleterious by computational evidence, with a REVEL score of 0.955, which is greater than the MDEP VCEP threshold of 0.70 (PP3). This variant is located within a conserved region of the DNA binding domain (codons 107-174 and 201-280) of HNF1A, which is defined as critical for the protein’s function by the ClinGen MDEP (PM1_Supporting). This variant is absent from gnomAD v2.1.1 (PM2_Supporting), and was identified in an individual with non-autoimmune and non-absolute/near-absolute insulin-deficient diabetes; however, PS4_Moderate cannot be applied because this number is below the ClinGen MDEP threshold (PMID: 19169489). This variant segregated with diabetes with two informative meioses in a single family; however, this does not meet the thresholds for PP1 set by the ClinGen MDEP (PMID: 27236918, PMID: 19169489). Additionally, the MODY probability is unable to be calculated due to lack of clinical information (PMID: 19169489). Another missense variant, c.637A>T p.(Ile213Phe), has been classified as likely pathogenic by the ClinGen MDEP (PM5_Supporting). In summary, c.638T>C meets the criteria to be classified as a variant of uncertain significance for monogenic diabetes. ACMG/AMP criteria applied, as specified by the ClinGen MDEP (specification version 2.1.0, approved 8/11/2023): PP3, PM1_Supporting, PM2_Supporting, PM5_Supporting.